The following is an entry in ClinVar:

NM_000094.4(COL7A1):c.4439G>A (p.Gly1480Asp)

Gene: COL7A1 (collagen type VII alpha 1 chain; minus strand). Cytogenetic location: 3p21.31.
Variant type: single nucleotide variant.
Coding change: c.4439G>A on transcript NM_000094.4 (MANE Select); coding-DNA position 4439, G replaced by A.
Protein change: p.Gly1480Asp; replaces glycine 1480 with aspartic acid.
Molecular consequence: missense variant.
Genome position (GRCh38, 1-based): chr3:48,583,170, C>T on the plus strand (G>A on the coding strand, the complement: COL7A1 is on the minus strand). VCF-style: chr3-48583170-C-T. GRCh37 (hg19) VCF-style: chr3-48620603-C-T.
Other names: short protein forms G1480D.
Identifiers: ClinVar variation 3699390 (VCV003699390.3).
Genomic context (GRCh38, chr3:48,583,170, plus strand): 5'-CCCCAGGTTGCACTTACCTTCTCTCCAGCCTCACCCAGGGGCCCTGGAAAGCCCCGGTCA[C>T]CCTGAAGAGAGAGGGTGAGAGAAAGACAGAGAGAGAGAGGGTTGGTGGCGGGGCTTGAAC-3'
Protein context (NP_000085.1, residues 1470-1490): RGPPGAIGPK[Gly1480Asp]DRGFPGPLGE

ClinVar aggregate classification (germline): Pathogenic/Likely pathogenic. Review status: criteria provided, multiple submitters, no conflicts (2 of 4 stars). 2 submissions from 2 submitters: Pathogenic (1); Likely pathogenic (1). Last evaluated 2026-05-21.

Conditions:
Recessive dystrophic epidermolysis bullosa (RDEB). Also called: DYSTROPHIC EPIDERMOLYSIS BULLOSA, AUTOSOMAL RECESSIVE; EPIDERMOLYSIS BULLOSA DYSTROPHICA, HALLOPEAU-SIEMENS TYPE; Hallopeau-Siemens Disease; epidermolysis bullosa dystrophica, autosomal recessive; Recessive DEB (RDEB); severe generalized recessive dystrophic epidermolysis bullosa. Identifiers: Orphanet 79408, Orphanet 79409, MedGen C0079474, MONDO:0009179, OMIM 226600.

Submissions (2):

Women's Health and Genetics/Laboratory Corporation of America, LabCorp
Classification: Pathogenic for Recessive dystrophic epidermolysis bullosa. Last evaluated: 2026-05-21. Review status: criteria provided, single submitter. Criteria: LabCorp Variant Classification Summary - May 2015. Collection method: clinical testing. Allele origin: germline.
Comment: Variant summary: COL7A1 c.4439G>A (p.Gly1480Asp) results in a non-conservative amino acid change in the encoded protein sequence. Algorithms developed to predict the effect of missense changes on protein structure and function all suggest that this variant is likely to be disruptive. Consensus agreement among computation tools predict no significant impact on normal splicing. However, these predictions have yet to be confirmed by functional studies. The variant was absent in 250050 control chromosomes. c.4439G>A has been observed in the presumed or confirmed compound heterozygous state in at least 2 individual(s) affected with autosomal recessive dystrophic epidermolysis bullosa (example, Chen_202, Chen_2023). This variant was also observed in the heterozygous state in at least 1 individual with clinical features of autosomal dominant epidermolysis bullosa (example, Tu_2022). These data indicate that the variant may be associated with disease. To our knowledge, no experimental evidence demonstrating an impact on protein function has been reported. This variant disrupts the triple helix domain of COL7A1. Glycine residues within the Gly-Xaa-Yaa repeats of the triple helix domain are required for the structure and stability of fibrillar collagens (PMID: 7695699, 8218237, 19344236). The following publications have been ascertained in the context of this evaluation (PMID: 32484238, 36287101, 36578049, 35243413). ClinVar contains an entry for this variant (Variation ID: 3699390). While this variant has been reported in the literature, the clinical significance of the variant for Dystrophic Epidermolysis Bullosa, Dominant could not be established. Based on the evidence outlined above, the variant was classified as pathogenic for Dystrophic Epidermolysis Bullosa, Recessive.

Labcorp Genetics (formerly Invitae), Labcorp
Classification: Likely pathogenic. Last evaluated: 2024-12-19. Review status: criteria provided, single submitter. Criteria: Invitae Variant Classification Sherloc (09022015). Collection method: clinical testing. Allele origin: germline.
Comment: This sequence change replaces glycine, which is neutral and non-polar, with aspartic acid, which is acidic and polar, at codon 1480 of the COL7A1 protein (p.Gly1480Asp). This variant is not present in population databases (gnomAD no frequency). This missense change has been observed in individual(s) with autosomal recessive dystrophic epidermolysis bullosa (PMID: 32484238, 36287101). In at least one individual the data is consistent with being in trans (on the opposite chromosome) from a pathogenic variant. This variant has been reported in individual(s) with autosomal dominant dystrophic epidermolysis bullosa (PMID: 36578049); however, the role of the variant in this condition is currently unclear. Experimental studies and prediction algorithms are not available or were not evaluated, and the functional significance of this variant is currently unknown. This variant disrupts the triple helix domain of COL7A1. Glycine residues within the Gly-Xaa-Yaa repeats of the triple helix domain are required for the structure and stability of fibrillar collagens (PMID: 7695699, 8218237, 19344236), and variants at these glycine residues in COL7A1 are more frequently observed in individuals with disease than in the general population (PMID: 22058051). However, the clinical significance of this observation remains uncertain since only a limited number of affected individuals have been described to date. In summary, the currently available evidence indicates that the variant is pathogenic, but additional data are needed to prove that conclusively. Therefore, this variant has been classified as Likely Pathogenic.

Literature cited by the submitters: PubMed 32484238 (cited by Women's Health and Genetics/Laboratory Corporation of America, LabCorp and Labcorp Genetics (formerly Invitae), Labcorp); PubMed 36287101 (cited by Women's Health and Genetics/Laboratory Corporation of America, LabCorp and Labcorp Genetics (formerly Invitae), Labcorp); PubMed 35243413 (cited by Women's Health and Genetics/Laboratory Corporation of America, LabCorp); PubMed 36578049 (cited by Women's Health and Genetics/Laboratory Corporation of America, LabCorp and Labcorp Genetics (formerly Invitae), Labcorp); PubMed 7695699 (cited by Labcorp Genetics (formerly Invitae), Labcorp); PubMed 8218237 (cited by Labcorp Genetics (formerly Invitae), Labcorp); PubMed 19344236 (cited by Labcorp Genetics (formerly Invitae), Labcorp); PubMed 22058051 (cited by Labcorp Genetics (formerly Invitae), Labcorp).